The following is an entry in ClinVar:

ClinVar aggregate classification (germline): Uncertain significance (1 of 4 stars; one submission).

gnomAD v4.1: 9 of 1,533,756 alleles (0.00059%); highest among the groups gnomAD compares: Non-Finnish European, 0.00079%; no homozygotes.

Submission:

Labcorp Genetics (formerly Invitae), Labcorp
Classification: Uncertain significance. Last evaluated: 2025-02-10. Review status: criteria provided, single submitter. Criteria: Invitae Variant Classification Sherloc (09022015). Collection method: clinical testing. Allele origin: germline.
Comment: This sequence change replaces glutamic acid, which is acidic and polar, with aspartic acid, which is acidic and polar, at codon 510 of the IFT88 protein (p.Glu510Asp). This variant is not present in population databases (gnomAD no frequency). This variant has not been reported in the literature in individuals affected with IFT88-related conditions. An algorithm developed to predict the effect of missense changes on protein structure and function (PolyPhen-2) suggests that this variant is likely to be tolerated. In summary, the available evidence is currently insufficient to determine the role of this variant in disease. Therefore, it has been classified as a Variant of Uncertain Significance.

NM_006531.5(IFT88):c.1503G>C (p.Glu501Asp)

Gene: IFT88 (intraflagellar transport 88; plus strand). Cytogenetic location: 13q12.11.
Variant type: single nucleotide variant.
Coding change: c.1503G>C on transcript NM_006531.5 (MANE Select); coding-DNA position 1503, G replaced by C.
Protein change: p.Glu501Asp; replaces glutamic acid 501 with aspartic acid.
Molecular consequence: missense variant. On other transcripts: non-coding transcript variant (4).
Genome position (GRCh38, 1-based): chr13:20,638,448, G>C. VCF-style: chr13-20638448-G-C. GRCh37 (hg19) VCF-style: chr13-21212587-G-C.
Other names: c.1446G>C, p.Glu482Asp (NM_001318491.2, NM_001353575.2); c.1530G>C, p.Glu510Asp (NM_001318493.2, NM_001353565.2, NM_001353566.2 and 2 more transcripts); c.1503G>C, p.Glu501Asp (NM_001353568.2, NM_001353572.2); c.1428G>C, p.Glu476Asp (NM_001353569.2, NM_001353570.2, NM_001353576.2 and 1 more transcripts); c.1401G>C, p.Glu467Asp (NM_001353571.2, NM_001353578.2); c.1359G>C, p.Glu453Asp (NM_001353573.2); c.1344G>C, p.Glu448Asp (NM_001353574.2); c.870G>C, p.Glu290Asp (NM_001353579.2); short protein forms E453D, E467D, E510D, E476D, E501D, E290D, E448D, E482D.
Identifiers: ClinVar variation 4697116 (VCV004697116.1).